The following is an entry in ClinVar:

NM_004260.4(RECQL4):c.2479G>T (p.Glu827Ter)

Gene: RECQL4 (RecQ like helicase 4; minus strand). Cytogenetic location: 8q24.3.
Variant type: single nucleotide variant.
Coding change: c.2479G>T on transcript NM_004260.4 (MANE Select); coding-DNA position 2479, G replaced by T.
Protein change: p.Glu827Ter; replaces glutamic acid 827 with a stop codon.
Molecular consequence: nonsense. On other transcripts: non-coding transcript variant (3).
Genome position (GRCh38, 1-based): chr8:144,513,123, C>A on the plus strand (G>T on the coding strand, the complement: RECQL4 is on the minus strand). VCF-style: chr8-144513123-C-A. GRCh37 (hg19) VCF-style: chr8-145738506-C-A.
Other names: c.2185G>T, p.Glu729Ter (NM_001413017.1); c.2281G>T, p.Glu761Ter (NM_001413018.1); c.2479G>T, p.Glu827Ter (NM_001413019.1, NM_001413036.1); c.2383G>T, p.Glu795Ter (NM_001413020.1); c.1408G>T, p.Glu470Ter (NM_001413021.1, NM_001413022.1, NM_001413023.1 and 5 more transcripts); c.2350G>T, p.Glu784Ter (NM_001413025.1); c.1342G>T, p.Glu448Ter (NM_001413027.1, NM_001413030.1, NM_001413032.1 and 1 more transcripts); c.2128G>T, p.Glu710Ter (NM_001413029.1); and 6 more; short protein forms E426*, E710*, E784*, E404*, E470*, E729*, E827*, E448*.
Identifiers: ClinVar variation 2831811 (VCV002831811.3), dbSNP rs2538003704, ClinGen allele CA372677566.
Genomic context (GRCh38, chr8:144,513,123, plus strand): 5'-GTACCAGCCTCTTCACAGCCAGGAAGTCCGTGCTGTCGGCGTGCACATGTCTGCGCAGCT[C>A]TCGCAGGTCTTCGCCCTGCAGGGCAACTTTCATGAGGGTGGGGTGGACCACTGGGGGCTC-3'

ClinVar aggregate classification (germline): Pathogenic (1 of 4 stars; one submission).

Conditions:
Baller-Gerold syndrome (BGS). Also called: CRANIOSYNOSTOSIS WITH RADIAL DEFECTS. Identifiers: Orphanet 1225, MedGen C0265308, MONDO:0009039, OMIM 218600.

Submission:

Labcorp Genetics (formerly Invitae), Labcorp
Classification: Pathogenic for Baller-Gerold syndrome. Last evaluated: 2023-03-31. Review status: criteria provided, single submitter. Criteria: Invitae Variant Classification Sherloc (09022015). Collection method: clinical testing. Allele origin: germline.
Comment: This sequence change creates a premature translational stop signal (p.Glu827*) in the RECQL4 gene. It is expected to result in an absent or disrupted protein product. Loss-of-function variants in RECQL4 are known to be pathogenic (PMID: 12734318, 12952869). This variant is not present in population databases (gnomAD no frequency). This variant has not been reported in the literature in individuals affected with RECQL4-related conditions. For these reasons, this variant has been classified as Pathogenic.

Literature cited by the submitters: PubMed 12734318; PubMed 12952869.